The following is an entry in ClinVar:

NM_000083.3(CLCN1):c.2000C>T (p.Pro667Leu)

Genes: CLCN1 (chloride voltage-gated channel 1; plus strand), LOC123956257 (Sharpr-MPRA regulatory region 4117; plus strand). Cytogenetic location: 7q34.
Variant type: single nucleotide variant.
Coding change: c.2000C>T on transcript NM_000083.3 (MANE Select); coding-DNA position 2000, C replaced by T.
Protein change: p.Pro667Leu; replaces proline 667 with leucine.
Molecular consequence: missense variant. On other transcripts: non-coding transcript variant (1).
Genome position (GRCh38, 1-based): chr7:143,345,590, C>T. VCF-style: chr7-143345590-C-T. GRCh37 (hg19) VCF-style: chr7-143042683-C-T.
Other names: short protein forms P667L.
Identifiers: ClinVar variation 531752 (VCV000531752.8), dbSNP rs1424224517, ClinGen allele CA369649768.

ClinVar aggregate classification (germline): Uncertain significance (1 of 4 stars; one submission).

Conditions:
Congenital myotonia, autosomal recessive form. Also called: Becker Generalized Myotonia; BECKER DISEASE; myotonia congenita, autosomal recessive. Identifiers: Orphanet 614, MedGen C0751360, MONDO:0009715, OMIM 255700.
Congenital myotonia, autosomal dominant form (THD). Also called: THOMSEN DISEASE; Myotonia congenita autosomal dominant. Identifiers: Orphanet 614, MedGen C2936781, MONDO:0008055, OMIM 160800.

Allele frequency attached by ClinVar (database versions not stated): gnomAD exomes below 0.00001 and 0.00001; TOPMed below 0.00001.
gnomAD v4.1: 4 of 1,551,866 alleles (0.00026%); highest among the groups gnomAD compares: Admixed American, 0.0039%; no homozygotes.

Submission:

Labcorp Genetics (formerly Invitae), Labcorp
Classification: Uncertain significance for Congenital myotonia, autosomal recessive form; Congenital myotonia, autosomal dominant form. Last evaluated: 2022-02-03. Review status: criteria provided, single submitter. Criteria: Invitae Variant Classification Sherloc (09022015). Collection method: clinical testing. Allele origin: germline.
Comment: This sequence change replaces proline, which is neutral and non-polar, with leucine, which is neutral and non-polar, at codon 667 of the CLCN1 protein (p.Pro667Leu). The frequency data for this variant in the population databases is considered unreliable, as metrics indicate poor data quality at this position in the gnomAD database. This variant has not been reported in the literature in individuals affected with CLCN1-related conditions. ClinVar contains an entry for this variant (Variation ID: 531752). Advanced modeling of protein sequence and biophysical properties (such as structural, functional, and spatial information, amino acid conservation, physicochemical variation, residue mobility, and thermodynamic stability) performed at Invitae indicates that this missense variant is not expected to disrupt CLCN1 protein function. In summary, the available evidence is currently insufficient to determine the role of this variant in disease. Therefore, it has been classified as a Variant of Uncertain Significance.